The following is an entry in ClinVar:

NM_004408.4(DNM1):c.1335+1605G>A

Gene: DNM1 (dynamin 1; plus strand). Cytogenetic location: 9q34.11.
Variant type: single nucleotide variant.
Coding change: c.1335+1605G>A on transcript NM_004408.4 (MANE Select); 1605 bases into the intron after coding-DNA position 1335, G replaced by A.
Molecular consequence: intron variant.
Genome position (GRCh38, 1-based): chr9:128,225,994, G>A. VCF-style: chr9-128225994-G-A. GRCh37 (hg19) VCF-style: chr9-130988273-G-A.
Other names: c.1335+1605G>A (NM_001005336.3, NM_001374269.1); c.1197-41G>A (NM_001288738.2, NM_001288737.2, NM_001288739.2).
Identifiers: ClinVar variation 4855726 (VCV004855726.2).

ClinVar aggregate classification (germline): Uncertain significance. Review status: criteria provided, multiple submitters, no conflicts (2 of 4 stars). 2 submissions from 2 submitters: Uncertain significance (2). Last evaluated 2026-06-24.

Conditions:
Developmental and epileptic encephalopathy, 31A. Also called: Epileptic encephalopathy, early infantile, 31; Developmental and epileptic encephalopathy, 31. Identifiers: Orphanet 2382, MedGen C4225357, MONDO:0014598, OMIM 616346.

Submissions (2):

Kasturba Medical College, Manipal, Kasturba Medical College, Manipal, Manipal Academy of Higher Education, Manipal, India
Classification: Uncertain significance for Developmental and epileptic encephalopathy, 31A. Last evaluated: 2026-06-24. Review status: criteria provided, single submitter. Criteria: ACMG Guidelines, 2015. Collection method: research. Allele origin: de novo. Inheritance: Autosomal dominant inheritance. Affected: yes. Observed: 1 variant allele, 1 heterozygote.
Comment: This variant is absent in the gnomAD (v4.1.0) population database and in our in-house data of 4303 exomes.

3billion
Classification: Uncertain significance for Developmental and epileptic encephalopathy, 31A. Last evaluated: 2025-11-25. Review status: criteria provided, single submitter. Criteria: ACMG Guidelines, 2015. Collection method: clinical testing. Allele origin: germline. Affected: yes.
Comment: The variant is not observed in the gnomAD v4.1.0 dataset. Predicted Consequence/Location: Intron variant In silico tools predict the variant to alter splicing and produce an abnormal transcript [SpliceAI: 0.93 (>=0.2, moderate evidence for spliceogenicity)]. Therefore, this variant is classified as VUS according to the recommendation of ACMG/AMP guideline.